The following is an entry in ClinVar:

ClinVar aggregate classification (germline): Pathogenic. Review status: criteria provided, multiple submitters, no conflicts (2 of 4 stars). 12 submissions from 12 submitters: Pathogenic (11). 1 of the submissions does not count toward it. Last evaluated 2025-11-20.

Conditions:
TTR-related disorder. Also called: TTR-related disorders; TTR-related condition.
Cardiovascular phenotype. Identifiers: MedGen CN230736.
Amyloidosis, hereditary systemic 1 (AMYLD1). Also called: Transthyretin Amyloidosis; Hereditary oculoleptomeningeal amyloid angiopathy; Familial Transthyretin Amyloidosis; AMYLOID CARDIOMYOPATHY; Isolated Cardiac Amyloidosis; Amyloid Cardiomyopathy, Transthyretin-related. Identifiers: Orphanet 85447, Orphanet 85451, MedGen C2751492, MONDO:0971004, OMIM 105210.
Hyperthyroxinemia, dystransthyretinemic. Also called: HYPERTHYROXINEMIA, DYSPREALBUMINEMIC; EUTHRYROIDAL HYPERTHYROXINEMIA 2. Identifiers: MedGen C2750824, MONDO:0007785, OMIM 145680.
Carpal tunnel syndrome (CTS). Identifiers: MedGen C0007286, MONDO:0007275.

Allele frequency attached by ClinVar (database versions not stated): gnomAD exomes below 0.00001.

Submissions (12):

Labcorp Genetics (formerly Invitae), Labcorp
Classification: Pathogenic for Amyloidosis, hereditary systemic 1. Last evaluated: 2025-11-20. Review status: criteria provided, single submitter. Criteria: Invitae Variant Classification Sherloc (09022015). Collection method: clinical testing. Allele origin: germline.
Comment: This sequence change replaces phenylalanine, which is neutral and non-polar, with leucine, which is neutral and non-polar, at codon 84 of the TTR protein (p.Phe84Leu). This variant is present in population databases (rs121918091, gnomAD 0.0009%). This missense change has been observed in individuals with hereditary transthyretin-mediated amyloidosis (hATTR amyloidosis) (PMID: 2046936, 8721565, 22745357, 23279339, 28635949). This variant is also known as p.Phe64Leu. ClinVar contains an entry for this variant (Variation ID: 13453). Invitae Evidence Modeling of protein sequence and biophysical properties (such as structural, functional, and spatial information, amino acid conservation, physicochemical variation, residue mobility, and thermodynamic stability) indicates that this missense variant is expected to disrupt TTR protein function with a positive predictive value of 95%. This variant disrupts the p.Phe84 amino acid residue in TTR. Other variant(s) that disrupt this residue have been determined to be pathogenic (PMID: 10488818, 15820680). This suggests that this residue is clinically significant, and that variants that disrupt this residue are likely to be disease-causing. For these reasons, this variant has been classified as Pathogenic.

Ambry Genetics
Classification: Pathogenic for Cardiovascular phenotype. Last evaluated: 2025-03-30. Review status: criteria provided, single submitter. Criteria: Ambry Variant Classification Scheme 2023. Collection method: clinical testing. Allele origin: germline.
Comment: The p.F84L pathogenic mutation (also known as c.250T>C and F64L), located in coding exon 3 of the TTR gene, results from a T to C substitution at nucleotide position 250. The phenylalanine at codon 84 is replaced by leucine, an amino acid with highly similar properties. This variant was first reported in an individual with peripheral neuropathy, autonomic symptoms, and cardiac and GI involvement with amyloid deposits confirmed on biopsy (Ii S et al. Neurology. 1991;41(6):893-8). This variant has been reported in multiple families from Italy and may be associated with disease onset in the sixth to seventh decade (Ferlini A et al. Clin Genet. 1996;49(1):10-4; Cappellari M et al. J Peripher Nerv Syst. 2011;16(2):119-29; Russo M et al. J Peripher Nerv Syst. 2012;17(4):385-90; Luigetti M et al. Neurol Sci. 2013;34(7):1057-63; Cortese A et al. J. Neurol. Neurosurg. Psychiatry, 2017 05;88:457-458; Iorio A et al. Eur. J. Hum. Genet., 2017 09;25:1055-1060). Type B fibrils, which consist of full-length peptides and can have an impact on the phenotype of the disease, have been found in individuals with the p.F84L variant (Suhr O et al. PLoS One. 2019;14(2):e0211983). Functional analysis suggests this variant results in a decrease in the stability of the protein structure (Altland K et al. Electrophoresis. 2007;28(12):2053-64). This amino acid position is highly conserved in available vertebrate species. In addition, this alteration is predicted to be deleterious by in silico analysis. This variant is considered to be rare based on population cohorts in the Genome Aggregation Database (gnomAD). Based on the supporting evidence, this alteration is interpreted as a disease-causing mutation.

Athena Diagnostics
Classification: Pathogenic. Last evaluated: 2025-02-05. Review status: criteria provided, single submitter. Criteria: Athena Diagnostics Criteria. Collection method: clinical testing. Allele origin: unknown.
Comment: The frequency of this variant in the general population is consistent with pathogenicity. This variant has been identified in multiple unrelated individuals with hereditary transthyretin-related amyloidosis. In some published literature, this variant is referred to as p.Phe64Leu. This variant results in the same amino acid change as another variant considered to be pathogenic. Published cases have biochemical evidence that suggests protein impairment.

Institute of Immunology and Genetics Kaiserslautern
Classification: Pathogenic for Amyloidosis, hereditary systemic 1. Last evaluated: 2024-10-25. Review status: criteria provided, single submitter. Criteria: ACMG Guidelines, 2015. Collection method: clinical testing. Allele origin: germline.
Comment: ACMG Criteria: PP3, PP5, PM2_P, PS1, PS3; Variant was found in heterozygous state

Mayo Clinic Laboratories, Mayo Clinic
Classification: Pathogenic. Last evaluated: 2024-01-31. Review status: criteria provided, single submitter. Criteria: ACMG Guidelines, 2015. Collection method: clinical testing. Allele origin: germline. Observed: 2 variant alleles.

ARUP Laboratories, Molecular Genetics and Genomics, ARUP Laboratories
Classification: Pathogenic. Last evaluated: 2023-08-11. Review status: criteria provided, single submitter. Criteria: ARUP Molecular Germline Variant Investigation Process 2024. Collection method: clinical testing. Allele origin: germline.
Comment: The TTR c.250T>C; p.Phe84Leu variant (rs121918091), also known as Phe64Leu, is published in the medical literature in numerous individuals and families with transthyretin-related amyloidosis (Benson 2007, Ii 1991, Rapezzi 2013, Russo 2012). The variant is listed in the ClinVar database (Variation ID: 13453) but is only observed on one allele in the Genome Aggregation Database, indicating it is not a common polymorphism. The phenylalanine at codon 84 is highly conserved and other amino acid substitutions at this codon (c.252T>G; p.Phe84Leu and c.251T>C; p.Phe84Ser) are reported in individuals with transthyretin-related amyloidosis (Benson 2007, Rapezzi 2013, Uemichi 1999). Considering available information, the c.250T>C; p.Phe84Leu variant is classified as pathogenic. References: Benson MD and Kincaid JC. The molecular biology and clinical features of amyloid neuropathy. Muscle Nerve. 2007 Oct;36(4):411-23. PMID: 17554795. Ii S et al. Two-tiered DNA-based diagnosis of transthyretin amyloidosis reveals two novel point mutations. Neurology. 1991 Jun;41(6):893-8. PMID: 2046936. Rapezzi C et al. Disease profile and differential diagnosis of hereditary transthyretin-related amyloidosis with exclusively cardiac phenotype: an Italian perspective. Eur Heart J. 2013 Feb;34(7):520-8. PMID: 22745357. Russo M et al. Transthyretin-related familial amyloidotic polyneuropathy: description of a cohort of patients with Leu64 mutation and late onset. J Peripher Nerv Syst. 2012 Dec;17(4):385-90. PMID: 23279339. Uemichi T et al. Oculoleptomeningeal amyloidosis associated with a new transthyretin variant Ser64. Arch Neurol. 1999 Sep;56(9):1152-5. PMID: 10488818.

GeneDx
Classification: Pathogenic. Last evaluated: 2023-01-09. Review status: criteria provided, single submitter. Criteria: GeneDx Variant Classification Process June 2021. Collection method: clinical testing. Allele origin: germline. Affected: yes.
Comment: Not observed at significant frequency in large population cohorts (gnomAD); In silico analysis supports that this missense variant has a deleterious effect on protein structure/function; This variant is associated with the following publications: (PMID: 22592564, 24395461, 31589614, 27350016, 34668655, 26428663, 22745357, 35095067, 34658264, 34207092, 2046936, 30811423, 23279339, 8721565, 28188196, 28635949)

Blueprint Genetics
Classification: Pathogenic for TTR-related disorders. Last evaluated: 2021-01-21. Review status: criteria provided, single submitter. Criteria: ACMG Guidelines, 2015. Collection method: clinical testing. Allele origin: germline. Affected: yes. Observed: 1 variant allele.

CeGaT Center for Human Genetics Tuebingen
Classification: Pathogenic. Last evaluated: 2020-11-01. Review status: criteria provided, single submitter. Criteria: CeGaT Center For Human Genetics Tuebingen Variant Classification Criteria Version 2. Collection method: clinical testing. Allele origin: germline. Affected: yes. Observed: 2 variant alleles.

Fulgent Genetics
Classification: Pathogenic for Amyloidosis, hereditary systemic 1; Carpal tunnel syndrome 1; Hyperthyroxinemia, dystransthyretinemic. Last evaluated: 2018-10-31. Review status: criteria provided, single submitter. Criteria: ACMG Guidelines, 2015. Collection method: clinical testing. Allele origin: unknown.

Women's Health and Genetics/Laboratory Corporation of America, LabCorp
Classification: Pathogenic for Amyloidosis, hereditary systemic 1. Last evaluated: 2016-05-13. Review status: criteria provided, single submitter. Criteria: LabCorp Variant Classification Summary - May 2015. Collection method: clinical testing. Allele origin: germline.
Comment: Variant summary: The TTR c.250T>C (p.Phe84Leu) variant involves the alteration of a conserved nucleotide. 3/4 in silico tools predict a damaging outcome (SNPs&GO not captured due to low reliability index). This variant is absent in 121202 control chromosomes. The variant has been reported in numerous affected individuals in the literature and has been classified as pathogenic by a reputable database. Taken together, this variant is classified as pathogenic.

OMIM
Classification: Pathogenic for AMYLOIDOSIS, HEREDITARY SYSTEMIC 1. Last evaluated: 1996-01-01. Review status: no assertion criteria provided. Collection method: literature only. Allele origin: germline. Not counted in ClinVar's aggregate classification.

Literature cited by the submitters: PubMed 2046936 (cited by 5 submitters); PubMed 8721565 (cited by 5 submitters); PubMed 22745357 (cited by 3 submitters); PubMed 23279339 (cited by 3 submitters); PubMed 28635949 (cited by 3 submitters); PubMed 10488818 (cited by Labcorp Genetics (formerly Invitae), Labcorp); PubMed 15820680 (cited by Labcorp Genetics (formerly Invitae), Labcorp); PubMed 17503405 (cited by 3 submitters); PubMed 21692911 (cited by Ambry Genetics); PubMed 22592564 (cited by 3 submitters); PubMed 28188196 (cited by Ambry Genetics and Athena Diagnostics); PubMed 30811423 (cited by Ambry Genetics); PubMed 11866053 (cited by Athena Diagnostics); PubMed 27350016 (cited by Athena Diagnostics); PubMed 23193944 (cited by Athena Diagnostics); PubMed 26428663 (cited by Athena Diagnostics and Women's Health and Genetics/Laboratory Corporation of America, LabCorp); PubMed 38241252 (cited by Athena Diagnostics); PubMed 38100909 (cited by Athena Diagnostics); PubMed 39575713 (cited by Athena Diagnostics); PubMed 15123043 (cited by Women's Health and Genetics/Laboratory Corporation of America, LabCorp).

NM_000371.4(TTR):c.250T>C (p.Phe84Leu)

Gene: TTR (transthyretin; plus strand). Cytogenetic location: 18q12.1.
Variant type: single nucleotide variant.
Coding change: c.250T>C on transcript NM_000371.4 (MANE Select); coding-DNA position 250, T replaced by C.
Protein change: p.Phe84Leu; replaces phenylalanine 84 with leucine.
Molecular consequence: missense variant.
Genome position (GRCh38, 1-based): chr18:31,595,169, T>C. VCF-style: chr18-31595169-T-C. GRCh37 (hg19) VCF-style: chr18-29175132-T-C.
Other names: F64L; short protein forms F84L.
Identifiers: ClinVar variation 13453 (VCV000013453.65), dbSNP rs121918091, ClinGen allele CA256847.